The following is an entry in ClinVar:

NM_015496.5(VIRMA):c.4228A>G (p.Ile1410Val)

Gene: VIRMA (vir like m6A methyltransferase associated; minus strand). Cytogenetic location: 8q22.1.
Variant type: single nucleotide variant.
Coding change: c.4228A>G on transcript NM_015496.5 (MANE Select); coding-DNA position 4228, A replaced by G.
Protein change: p.Ile1410Val; replaces isoleucine 1410 with valine.
Molecular consequence: missense variant.
Genome position (GRCh38, 1-based): chr8:94,499,376, T>C on the plus strand (A>G on the coding strand, the complement: VIRMA is on the minus strand). VCF-style: chr8-94499376-T-C. GRCh37 (hg19) VCF-style: chr8-95511604-T-C.
Other names: short protein forms I1410V.
Identifiers: ClinVar variation 2658695 (VCV002658695.24), dbSNP rs1813892539, ClinGen allele CA371709655.

ClinVar aggregate classification (germline): Uncertain significance (1 of 4 stars; one submission).

Allele frequency attached by ClinVar (database versions not stated): gnomAD exomes below 0.00001.
gnomAD v4.1: 2 of 1,552,100 alleles (0.00013%); highest among the groups gnomAD compares: South Asian, 0.0012%; no homozygotes.

Submission:

CeGaT Center for Human Genetics Tuebingen
Classification: Uncertain significance. Last evaluated: 2022-05-01. Review status: criteria provided, single submitter. Criteria: CeGaT Center For Human Genetics Tuebingen Variant Classification Criteria Version 2. Collection method: clinical testing. Allele origin: germline. Affected: yes. Observed: 1 variant allele.
Comment: VIRMA: PM2, BP4